The following is an entry in ClinVar:

NM_052947.4(ALPK2):c.1019C>A (p.Ser340Tyr)

Genes: ALPK2 (alpha kinase 2; minus strand), LOC114803473 (ALPK2 eExon liver enhancer; plus strand). Cytogenetic location: 18q21.31.
Variant type: single nucleotide variant.
Coding change: c.1019C>A on transcript NM_052947.4 (MANE Select); coding-DNA position 1019, C replaced by A.
Protein change: p.Ser340Tyr; replaces serine 340 with tyrosine.
Molecular consequence: missense variant.
Genome position (GRCh38, 1-based): chr18:58,579,757, G>T on the plus strand (C>A on the coding strand, the complement: ALPK2 is on the minus strand). VCF-style: chr18-58579757-G-T. GRCh37 (hg19) VCF-style: chr18-56246989-G-T.
Other names: short protein forms S340Y.
Identifiers: ClinVar variation 3228548 (VCV003228548.1), dbSNP rs1602227380, ClinGen allele CA402565077.

ClinVar aggregate classification (germline): Uncertain significance (1 of 4 stars; one submission).

Submission:

Ambry Genetics
Classification: Uncertain significance. Last evaluated: 2024-03-09. Review status: criteria provided, single submitter. Criteria: Ambry Variant Classification Scheme 2023. Collection method: clinical testing. Allele origin: germline.
Comment: The p.S340Y variant (also known as c.1019C>A), located in coding exon 3 of the ALPK2 gene, results from a C to A substitution at nucleotide position 1019. The serine at codon 340 is replaced by tyrosine, an amino acid with dissimilar properties. This amino acid position is conserved. In addition, this alteration is predicted to be tolerated by in silico analysis. Based on the available evidence, the clinical significance of this alteration remains unclear.